The following is an entry in ClinVar:

ClinVar aggregate classification (germline): Uncertain significance (1 of 4 stars; one submission).

Conditions:
Neurofibromatosis, type 1 (NF1). Also called: Neurofibromatosis, type I; VON RECKLINGHAUSEN DISEASE; NEUROFIBROMATOSIS, TYPE I, SOMATIC; Peripheral type neurofibromatosis. Identifiers: Orphanet 636, MedGen C0027831, MONDO:0018975, OMIM 162200. Disease mechanism: loss of function.

Submission:

Labcorp Genetics (formerly Invitae), Labcorp
Classification: Uncertain significance for Neurofibromatosis, type 1. Last evaluated: 2022-02-19. Review status: criteria provided, single submitter. Criteria: Invitae Variant Classification Sherloc (09022015). Collection method: clinical testing. Allele origin: germline.
Comment: In summary, the available evidence is currently insufficient to determine the role of this variant in disease. Therefore, it has been classified as a Variant of Uncertain Significance. Algorithms developed to predict the effect of sequence changes on RNA splicing suggest that this variant may disrupt the consensus splice site. This variant has not been reported in the literature in individuals affected with NF1-related conditions. This variant is not present in population databases (gnomAD no frequency). This sequence change falls in intron 35 of the NF1 gene. It does not directly change the encoded amino acid sequence of the NF1 protein.

NM_001042492.3(NF1):c.4836-15T>A

Gene: NF1 (neurofibromin 1; plus strand). Cytogenetic location: 17q11.2.
Variant type: single nucleotide variant.
Coding change: c.4836-15T>A on transcript NM_001042492.3 (MANE Select); 15 bases into the intron before coding-DNA position 4836, T replaced by A.
Molecular consequence: intron variant.
Genome position (GRCh38, 1-based): chr17:31,325,805, T>A. VCF-style: chr17-31325805-T-A. GRCh37 (hg19) VCF-style: chr17-29652823-T-A.
Other names: c.4773-15T>A (NM_000267.4).
Identifiers: ClinVar variation 1471726 (VCV001471726.8), dbSNP rs2151537408, ClinGen allele CA2573153673.